The following is an entry in ClinVar:

NM_000228.3(LAMB3):c.125G>A (p.Arg42Gln)

Gene: LAMB3 (laminin subunit beta 3; minus strand). Cytogenetic location: 1q32.2.
Variant type: single nucleotide variant.
Coding change: c.125G>A on transcript NM_000228.3 (MANE Select); coding-DNA position 125, G replaced by A.
Protein change: p.Arg42Gln; replaces arginine 42 with glutamine.
Molecular consequence: missense variant.
Genome position (GRCh38, 1-based): chr1:209,650,022, C>T on the plus strand (G>A on the coding strand, the complement: LAMB3 is on the minus strand). VCF-style: chr1-209650022-C-T. GRCh37 (hg19) VCF-style: chr1-209823367-C-T.
Other names: c.125G>A, p.Arg42Gln (NM_001017402.2, NM_001127641.1); short protein forms R42Q.
Identifiers: ClinVar variation 2185570 (VCV002185570.1), dbSNP rs761173046, ClinGen allele CA1376096.
Genomic context (GRCh38, chr1:209,650,022, plus strand): 5'-ACCTCGCCATACTGGGTGCAGTAGGTCTCAGGCTTGGTCAGTCCACAGGTAGATGAAGCT[C>T]GGAGAAACCGGGTCCTCCCAACAAGCAGGTCCCCAACAGGTGGATAGCAGGCCCCACGGG-3'
Protein context (NP_000219.2, residues 32-52): DLLVGRTRFL[Arg42Gln]ASSTCGLTKP

ClinVar aggregate classification (germline): Uncertain significance (1 of 4 stars; one submission).

Allele frequency attached by ClinVar (database versions not stated): ExAC 0.00002; gnomAD exomes 0.00002; TOPMed 0.00004; gnomAD 0.00005.
gnomAD v4.1: 32 of 1,614,026 alleles (0.002%); highest among the groups gnomAD compares: African/African-American, 0.0067%; no homozygotes.

Submission:

Labcorp Genetics (formerly Invitae), Labcorp
Classification: Uncertain significance. Last evaluated: 2022-09-19. Review status: criteria provided, single submitter. Criteria: Invitae Variant Classification Sherloc (09022015). Collection method: clinical testing. Allele origin: germline.
Comment: This sequence change replaces arginine, which is basic and polar, with glutamine, which is neutral and polar, at codon 42 of the LAMB3 protein (p.Arg42Gln). This variant is present in population databases (rs761173046, gnomAD 0.005%). This variant has not been reported in the literature in individuals affected with LAMB3-related conditions. Algorithms developed to predict the effect of missense changes on protein structure and function output the following: SIFT: "Tolerated"; PolyPhen-2: "Benign"; Align-GVGD: "Class C0". The glutamine amino acid residue is found in multiple mammalian species, which suggests that this missense change does not adversely affect protein function. In summary, the available evidence is currently insufficient to determine the role of this variant in disease. Therefore, it has been classified as a Variant of Uncertain Significance.